The following is an entry in ClinVar:

NM_001372044.2(SHANK3):c.2951dup (p.Pro985fs)

Gene: SHANK3 (SH3 and multiple ankyrin repeat domains 3; plus strand). Cytogenetic location: 22q13.33.
Variant type: Duplication.
Coding change: c.2951dup on transcript NM_001372044.2 (MANE Select); coding-DNA position 2951, one base duplicated (C; older notation c.2951dupC).
Protein change: p.Pro985fs; shifts the reading frame from proline 985.
Molecular consequence: frameshift variant.
Genome position (GRCh38, 1-based): chr22:50,720,559, C duplicated; the last of 5 consecutive C bases (chr22:50,720,555-50,720,559); duplicating any one gives the same sequence. VCF-style (leftmost placement, unchanged base first): chr22-50720554-A-AC. GRCh37 (hg19) VCF-style: chr22-51158982-A-AC.
Other names: c.2726dupC (NM_033517.1); short protein forms P985fs.
Identifiers: ClinVar variation 817242 (VCV000817242.1), dbSNP rs1603447111, ClinGen allele CA915951507.

ClinVar aggregate classification (germline): Likely pathogenic (1 of 4 stars; one submission).

Submission:

GeneDx
Classification: Likely pathogenic. Last evaluated: 2018-09-17. Review status: criteria provided, single submitter. Criteria: GeneDx Variant Classification (06012015). Collection method: clinical testing. Allele origin: germline. Affected: yes.
Comment: The c.2726dupC variant in the SHANK3 gene has not been reported previously as a pathogenic variant nor as a benign variant, to our knowledge. The c.2726dupC variant causes a frameshift starting with codon Proline 910, changes this amino acid to an Alanine residue, and creates a premature Stop codon at position 386 of the new reading frame, denoted p.Pro910AlafsX386. This variant is predicted to cause loss of normal protein function either through protein truncation or nonsense-mediated mRNA decay. The c.2726dupC variant is not observed in large population cohorts (Lek et al., 2016). We interpret c.2726dupC as a likely pathogenic variant.